The following is an entry in ClinVar:

NC_000015.10:g.40036464G>A

Genes: EIF2AK4 (eukaryotic translation initiation factor 2 alpha kinase 4; plus strand), SRP14 (signal recognition particle 14; minus strand). Cytogenetic location: 15q15.1.
Variant type: single nucleotide variant.
Molecular consequence: synonymous variant (on NM_003134.6).
Genome position: GRCh38 VCF-style: chr15-40036464-G-A. GRCh37 (hg19) VCF-style: chr15-40328665-G-A.
Other names: c.136C>T, p.Leu46= (NM_001309434.1); c.280C>T, p.Leu94= (NM_003134.6).
Identifiers: ClinVar variation 402823 (VCV000402823.6), dbSNP rs8208, ClinGen allele CA7474926.

ClinVar aggregate classification (germline): Benign. Review status: criteria provided, multiple submitters, no conflicts (2 of 4 stars). 2 submissions from 2 submitters: Benign (2). Last evaluated 2016-03-28.

Allele frequency attached by ClinVar (database versions not stated): gnomAD exomes 0.67863 and 0.60587; gnomAD 0.57591 and 0.57763; 1000 Genomes Project 0.45787; 1000 Genomes Project 30x 0.45940; TOPMed 0.55249; ESP Exome Variant Server 0.60623; ExAC 0.61173.
gnomAD v4.1: 1,077,758 of 1,613,542 alleles (67%); highest among the groups gnomAD compares: Non-Finnish European, 72%; 370,519 homozygotes.

Submissions (2):

Laboratory for Molecular Medicine, Mass General Brigham Personalized Medicine
Classification: Benign. Last evaluated: 2016-03-28. Review status: criteria provided, single submitter. Criteria: LMM Criteria. Collection method: clinical testing. Allele origin: germline.
Comment: Variant identified in a genome or exome case(s) and assessed due to predicted null impact of the variant or pathogenic assertions in the literature or databases. Disclaimer: This variant has not undergone full assessment. The following are preliminary notes: MAF

Breakthrough Genomics
Classification: Benign. Review status: criteria provided, single submitter. Criteria: ACMG Guidelines, 2015. Collection method: not provided. Allele origin: germline. Inheritance: Unknown mechanism. Affected: yes.